The following is an entry in ClinVar:

ClinVar aggregate classification (germline): Uncertain significance (1 of 4 stars; one submission).

Submission:

Women's Health and Genetics/Laboratory Corporation of America, LabCorp
Classification: Uncertain significance. Last evaluated: 2023-08-24. Review status: criteria provided, single submitter. Criteria: LabCorp Variant Classification Summary - May 2015. Collection method: clinical testing. Allele origin: germline.
Comment: Variant summary: NBEA c.6179+6_6179+7delTT alters a conserved nucleotide located close to a canonical splice site and therefore could affect mRNA splicing, leading to a significantly altered protein sequence. Several computational tools predict a significant impact on normal splicing: One predict the variant abolishes a 5' splicing donor site. Two predict the variant weakens a 5' donor site. One predict the variant no significant impact on splicing. However, these predictions have yet to be confirmed by functional studies. The variant was absent in 180298 control chromosomes. The available data on variant occurrences in the general population are insufficient to allow any conclusion about variant significance. To our knowledge, no occurrence of c.6179+6_6179+7delTT in individuals affected with Neurodevelopmental Disorder With Or Without Early-Onset Generalized Epilepsy and no experimental evidence demonstrating its impact on protein function have been reported. No submitters have cited clinical-significance assessments for this variant to ClinVar after 2014. Based on the evidence outlined above, the variant was classified as uncertain significance.

NM_001385012.1(NBEA):c.6179+6_6179+7del

Gene: NBEA (neurobeachin; plus strand). Cytogenetic location: 13q13.3.
Variant type: Deletion.
Coding change: c.6179+6_6179+7del on transcript NM_001385012.1 (MANE Select); bases 6 to 7 of the intron after coding-DNA position 6179, 2 bases deleted (TT; older notation c.6179+6_6179+7delTT).
Molecular consequence: intron variant.
Genome position (GRCh38, 1-based): chr13:35,352,329-35,352,330, TT deleted. VCF-style (leftmost placement, unchanged base first): chr13-35352328-GTT-G. GRCh37 (hg19) VCF-style: chr13-35926465-GTT-G.
Other names: c.6179+6_6179+7del (NM_015678.5); c.6170+6_6170+7del (NM_001379245.1).
Identifiers: ClinVar variation 2581350 (VCV002581350.1), dbSNP rs2549401043, ClinGen allele CA2582341823.
Genomic context (GRCh38, chr13:35,352,328, plus strand): 5'-AAGATTCTCAATATTCTCACAAATAAACATGGTGCTTGGGGAGCAGTTTCTCATAGGTGA[GTT>G]ATAATAAATTCGAGTAAATAATAATTCATAGGTTAATTATAATAGTTGGTAATAAAAATA-3'